The following is an entry in ClinVar:

ClinVar aggregate classification (germline): Uncertain significance (1 of 4 stars; one submission).

Submission:

GeneDx
Classification: Uncertain significance. Last evaluated: 2026-03-07. Review status: criteria provided, single submitter. Criteria: GeneDx Variant Classification Process June 2021. Collection method: clinical testing. Allele origin: germline.
Comment: Not observed at significant frequency in large population cohorts (gnomAD); In silico analysis supports that this missense variant has a deleterious effect on protein structure/function; Has not been previously published as pathogenic or benign to our knowledge

NM_002662.5(PLD1):c.1951A>G (p.Asn651Asp)

Gene: PLD1 (phospholipase D1; minus strand). Cytogenetic location: 3q26.31.
Variant type: single nucleotide variant.
Coding change: c.1951A>G on transcript NM_002662.5 (MANE Select); coding-DNA position 1951, A replaced by G.
Protein change: p.Asn651Asp; replaces asparagine 651 with aspartic acid.
Molecular consequence: missense variant.
Genome position (GRCh38, 1-based): chr3:171,677,611, T>C on the plus strand (A>G on the coding strand, the complement: PLD1 is on the minus strand). VCF-style: chr3-171677611-T-C. GRCh37 (hg19) VCF-style: chr3-171395401-T-C.
Other names: c.1837A>G, p.Asn613Asp (NM_001130081.3); short protein forms N613D, N651D.
Identifiers: ClinVar variation 5008785 (VCV005008785.1).